The following is an entry in ClinVar:

NM_019066.5(MAGEL2):c.2195C>G (p.Ser732Cys)

Gene: MAGEL2 (MAGE family member L2; minus strand). Cytogenetic location: 15q11.2.
Variant type: single nucleotide variant.
Coding change: c.2195C>G on transcript NM_019066.5 (MANE Select); coding-DNA position 2195, C replaced by G.
Protein change: p.Ser732Cys; replaces serine 732 with cysteine.
Molecular consequence: missense variant.
Genome position (GRCh38, 1-based): chr15:23,645,548, G>C on the plus strand (C>G on the coding strand, the complement: MAGEL2 is on the minus strand). VCF-style: chr15-23645548-G-C. GRCh37 (hg19) VCF-style: chr15-23890695-G-C.
Other names: short protein forms S732C.
Identifiers: ClinVar variation 2766183 (VCV002766183.3), dbSNP rs758856945, ClinGen allele CA391332490.

ClinVar aggregate classification (germline): Uncertain significance (1 of 4 stars; one submission).

Submission:

Labcorp Genetics (formerly Invitae), Labcorp
Classification: Uncertain significance. Last evaluated: 2023-10-27. Review status: criteria provided, single submitter. Criteria: Invitae Variant Classification Sherloc (09022015). Collection method: clinical testing. Allele origin: germline.
Comment: This sequence change replaces serine, which is neutral and polar, with cysteine, which is neutral and slightly polar, at codon 732 of the MAGEL2 protein (p.Ser732Cys). This variant is not present in population databases (gnomAD no frequency). This variant has not been reported in the literature in individuals affected with MAGEL2-related conditions. Advanced modeling of protein sequence and biophysical properties (such as structural, functional, and spatial information, amino acid conservation, physicochemical variation, residue mobility, and thermodynamic stability) performed at Invitae indicates that this missense variant is not expected to disrupt MAGEL2 protein function with a negative predictive value of 80%. In summary, the available evidence is currently insufficient to determine the role of this variant in disease. Therefore, it has been classified as a Variant of Uncertain Significance.